The following is an entry in ClinVar:

NM_000484.4(APP):c.1980T>C (p.Asn660=)

Gene: APP (amyloid beta precursor protein; minus strand). Cytogenetic location: 21q21.3.
Variant type: single nucleotide variant.
Coding change: c.1980T>C on transcript NM_000484.4 (MANE Select); coding-DNA position 1980, T replaced by C.
Protein change: p.Asn660=; no amino-acid change (asparagine 660 retained).
Molecular consequence: synonymous variant.
Genome position (GRCh38, 1-based): chr21:25,897,657, A>G on the plus strand (T>C on the coding strand, the complement: APP is on the minus strand). VCF-style: chr21-25897657-A-G. GRCh37 (hg19) VCF-style: chr21-27269969-A-G.
Other names: c.1980T>C (NM_000484.3); c.1908T>C, p.Asn636= (NM_001136016.3); c.1587T>C, p.Asn529= (NM_001136129.3); c.1812T>C, p.Asn604= (NM_001136130.3, NM_001385253.1); c.1650T>C, p.Asn550= (NM_001136131.3); c.1926T>C, p.Asn642= (NM_001204301.2); c.1869T>C, p.Asn623= (NM_001204302.2); c.1701T>C, p.Asn567= (NM_001204303.2); and 2 more.
Identifiers: ClinVar variation 2141602 (VCV002141602.6), dbSNP rs749152147, ClinGen allele CA9987106.

ClinVar aggregate classification (germline): Likely benign. Review status: criteria provided, single submitter (1 of 4 stars). 2 submissions from 2 submitters: Likely benign (1). 1 of the submissions does not count toward it. Last evaluated 2022-06-19.

Conditions:
Alzheimer disease. Also called: Alzheimer's disease; Presenile and senile dementia. Identifiers: Orphanet 1020, MedGen C0002395, MeSH D000544, MONDO:0004975, HP:0002511.
APP-related disorder. Also called: APP-related condition.

Allele frequency attached by ClinVar (database versions not stated): gnomAD exomes below 0.00001; ExAC 0.00001; TOPMed 0.00001.
gnomAD v4.1: 5 of 1,613,542 alleles (0.00031%); highest among the groups gnomAD compares: Admixed American, 0.0017%; no homozygotes.

Submissions (2):

Labcorp Genetics (formerly Invitae), Labcorp
Classification: Likely benign for Alzheimer disease. Last evaluated: 2022-06-19. Review status: criteria provided, single submitter. Criteria: Invitae Variant Classification Sherloc (09022015). Collection method: clinical testing. Allele origin: germline.

PreventionGenetics, part of Exact Sciences
Classification: Likely benign for APP-related condition. Last evaluated: 2021-11-22. Review status: no assertion criteria provided. Collection method: clinical testing. Allele origin: germline. Not counted in ClinVar's aggregate classification.
Comment: This variant is classified as likely benign based on ACMG/AMP sequence variant interpretation guidelines (Richards et al. 2015 PMID: 25741868, with internal and published modifications).